The following is an entry in ClinVar:

ClinVar aggregate classification (germline): Uncertain significance (1 of 4 stars; one submission).

Conditions:
Cardiovascular phenotype. Identifiers: MedGen CN230736.

Allele frequency attached by ClinVar (database versions not stated): gnomAD 0.00001; TOPMed 0.00001.
gnomAD v4.1: 2 of 1,549,772 alleles (0.00013%); highest among the groups gnomAD compares: Non-Finnish European, 0.000087%; no homozygotes.

Submission:

Ambry Genetics
Classification: Uncertain significance for Cardiovascular phenotype. Last evaluated: 2023-02-28. Review status: criteria provided, single submitter. Criteria: Ambry Variant Classification Scheme 2023. Collection method: clinical testing. Allele origin: germline.
Comment: The p.T192I variant (also known as c.575C>T), located in coding exon 1 of the ZNF469 gene, results from a C to T substitution at nucleotide position 575. The threonine at codon 192 is replaced by isoleucine, an amino acid with similar properties. This amino acid position is conserved. In addition, this alteration is predicted to be tolerated by in silico analysis. Since supporting evidence is limited at this time, the clinical significance of this alteration remains unclear.

NM_001367624.2(ZNF469):c.575C>T (p.Thr192Ile)

Gene: ZNF469 (zinc finger protein 469; plus strand). Cytogenetic location: 16q24.2.
Variant type: single nucleotide variant.
Coding change: c.575C>T on transcript NM_001367624.2 (MANE Select); coding-DNA position 575, C replaced by T.
Protein change: p.Thr192Ile; replaces threonine 192 with isoleucine.
Molecular consequence: missense variant.
Genome position (GRCh38, 1-based): chr16:88,428,045, C>T. VCF-style: chr16-88428045-C-T. GRCh37 (hg19) VCF-style: chr16-88494453-C-T.
Other names: NM_001127464.1:c.575C>T; short protein forms T192I.
Identifiers: ClinVar variation 2497312 (VCV002497312.2), dbSNP rs1324224654, ClinGen allele CA397060852.